The following is an entry in ClinVar:

NM_006056.5(NMUR1):c.696G>A (p.Val232=)

Gene: NMUR1 (neuromedin U receptor 1; minus strand). Cytogenetic location: 2q37.1.
Variant type: single nucleotide variant.
Coding change: c.696G>A on transcript NM_006056.5 (MANE Select); coding-DNA position 696, G replaced by A.
Protein change: p.Val232=; no amino-acid change (valine 232 retained).
Molecular consequence: synonymous variant.
Genome position (GRCh38, 1-based): chr2:231,528,325, C>T on the plus strand (G>A on the coding strand, the complement: NMUR1 is on the minus strand). VCF-style: chr2-231528325-C-T. GRCh37 (hg19) VCF-style: chr2-232393036-C-T.
Identifiers: ClinVar variation 2652003 (VCV002652003.24), dbSNP rs138714852, ClinGen allele CA2162289.
Genomic context (GRCh38, chr2:231,528,325, plus strand): 5'-CAGGTAGAGCACGCTCATGATGGCCATGGGCAGGCAGAAGAAGAGCAGCGCGGTGGTCTG[C>T]ACTACCATGTTGTAGAGGGCCCGTGGGCGGACCAGCATGCAAACAGCTGAGTCTGGCACT-3'
Protein context (NP_006047.3, residues 222-242): VRPRALYNMV[Val232=]QTTALLFFCL

ClinVar aggregate classification (germline): Likely benign (1 of 4 stars; one submission).

Allele frequency attached by ClinVar (database versions not stated): 1000 Genomes Project 30x 0.00016; 1000 Genomes Project 0.00020; TOPMed 0.00058; gnomAD 0.00068; ESP Exome Variant Server 0.00077; ExAC 0.00093; gnomAD exomes 0.00093.
gnomAD v4.1: 1,459 of 1,613,172 alleles (0.09%); highest among the groups gnomAD compares: Middle Eastern, 0.13%; 3 homozygotes.

Submission:

CeGaT Center for Human Genetics Tuebingen
Classification: Likely benign. Last evaluated: 2022-08-01. Review status: criteria provided, single submitter. Criteria: CeGaT Center For Human Genetics Tuebingen Variant Classification Criteria Version 2. Collection method: clinical testing. Allele origin: germline. Affected: yes. Observed: 1 variant allele.
Comment: NMUR1: BP4, BP7